The following is an entry in ClinVar:

NM_138694.4(PKHD1):c.1576_1587delinsCAAACGCCACAGCCCATCTGTGGCAAAC (p.Ile526fs)

Gene: PKHD1 (PKHD1 ciliary IPT domain containing fibrocystin/polyductin; minus strand). Cytogenetic location: 6p12.2.
Variant type: Indel.
Coding change: c.1576_1587delinsCAAACGCCACAGCCCATCTGTGGCAAAC on transcript NM_138694.4 (MANE Select); coding-DNA positions 1576 to 1587, ATCCCTGCAAAT replaced by CAAACGCCACAGCCCATCTGTGGCAAAC.
Protein change: p.Ile526fs; shifts the reading frame from isoleucine 526.
Molecular consequence: frameshift variant.
Genome position (GRCh38, 1-based): chr6:52,056,905-52,056,916, ATTTGCAGGGAT replaced by GTTTGCCACAGATGGGCTGTGGCGTTTG on the plus strand (ATCCCTGCAAAT replaced by CAAACGCCACAGCCCATCTGTGGCAAAC on the coding strand, the reverse complement: PKHD1 is on the minus strand). GRCh37 (hg19): chr6:51,921,703-51,921,714.
Other names: c.1576_1587delinsCAAACGCCACAGCCCATCTGTGGCAAAC, p.Ile526fs (NM_170724.3); short protein forms I526fs.
Identifiers: ClinVar variation 4816584 (VCV004816584.1).

ClinVar aggregate classification (germline): Likely pathogenic (1 of 4 stars; one submission).

Conditions:
Autosomal recessive polycystic kidney disease (ARPKD). Also called: AR polycystic kidney disease. Identifiers: Orphanet 731, Orphanet 8378, MedGen C0085548, MeSH D017044, MONDO:0009889.

Submission:

Natera, Inc.
Classification: Likely pathogenic for Autosomal recessive polycystic kidney disease. Last evaluated: 2025-02-25. Review status: criteria provided, single submitter. Criteria: Natera Variant Classification Schema (03/2026). Collection method: clinical testing. Allele origin: germline.
Comment: The c.1576_1587delinsCAAACGCCACAGCCCATCTGTGGCAAAC variant in PKHD1 is a frameshift variant predicted to shift the reading frame beginning at codon 526 and leads to a stop codon 20 codons downstream. This variant is expected to result in nonsense mediated decay, truncation, or a dysfunctional protein product. This variant is rare in the general population with a frequency below the threshold expected for the associated phenotype(s). Given the available evidence, this variant is classified as Likely Pathogenic.